The following is an entry in ClinVar:

ClinVar aggregate classification (germline): Pathogenic (1 of 4 stars; one submission).

Conditions:
Visceral myopathy 1 (VSCM1). Also called: Visceral myopathy; ACTG2 Visceral Myopathy; Infantile visceral myopathy. Identifiers: Orphanet 2604, MedGen C5542197, MONDO:0020754, OMIM 155310.

Submission:

Egypt Genome Project
Classification: Pathogenic for Visceral myopathy 1. Last evaluated: 2026-02-01. Review status: criteria provided, single submitter. Criteria: ACMG Guidelines, 2015. Collection method: research. Allele origin: germline. Affected: yes.
Comment: The NM_001615.3c.924dup variant is classified as Pathogenic variant based on the ACMG/AMP criteria (PM2, PVS1)

NM_001615.4(ACTG2):c.924dup (p.Gly309fs)

Gene: ACTG2 (actin gamma 2, smooth muscle; plus strand). Cytogenetic location: 2p13.1.
Variant type: Duplication.
Coding change: c.924dup on transcript NM_001615.4 (MANE Select); coding-DNA position 924, one base duplicated (T; older notation c.924dupT).
Protein change: p.Gly309fs; shifts the reading frame from glycine 309.
Molecular consequence: frameshift variant.
Genome position (GRCh38, 1-based): chr2:73,916,702, T duplicated. VCF-style (leftmost placement, unchanged base first): chr2-73916701-C-CT. GRCh37 (hg19) VCF-style: chr2-74143828-C-CT.
Other names: c.795dup, p.Gly266fs (NM_001199893.2); short protein forms G266fs, G309fs.
Identifiers: ClinVar variation 4849868 (VCV004849868.1).
Genomic context (GRCh38, chr2:73,916,701, plus strand): 5'-TTGACATCCGTAAGGACTTATATGCCAACAATGTCCTCTCTGGGGGCACCACCATGTACC[C>CT]TGGCATTGCTGACAGGATGCAGAAGGAGATCACAGCCCTGGCCCCCAGCACCATGAAGAT-3'